The following is an entry in ClinVar:

NM_004453.4(ETFDH):c.250G>A (p.Ala84Thr)

Gene: ETFDH (electron transfer flavoprotein dehydrogenase; plus strand). Cytogenetic location: 4q32.1.
Variant type: single nucleotide variant.
Coding change: c.250G>A on transcript NM_004453.4 (MANE Select); coding-DNA position 250, G replaced by A.
Protein change: p.Ala84Thr; replaces alanine 84 with threonine.
Molecular consequence: missense variant.
Genome position (GRCh38, 1-based): chr4:158,682,269, G>A. VCF-style: chr4-158682269-G-A. GRCh37 (hg19) VCF-style: chr4-159603421-G-A.
Other names: c.250G>A (NM_004453.2); c.109G>A, p.Ala37Thr (NM_001281737.2); c.67G>A, p.Ala23Thr (NM_001281738.1); short protein forms A84T, A23T, A37T.
Identifiers: ClinVar variation 12028 (VCV000012028.51), dbSNP rs121964954, ClinGen allele CA121817.

ClinVar aggregate classification (germline): Pathogenic. Review status: criteria provided, multiple submitters, no conflicts (2 of 4 stars). 14 submissions from 14 submitters: Pathogenic (11). 3 of the submissions do not count toward it. Last evaluated 2026-01-18.

Conditions:
Glutaric acidemia type 2C.
ETFDH-related disorder. Also called: ETFDH-related condition.
Glutaric acidemia IIc. Also called: ETFDH deficiency. Identifiers: MedGen C3278156, MONDO:0700076.
Multiple acyl-CoA dehydrogenase deficiency (MADD). Also called: Glutaric Acidemia type 2; ETHYLMALONIC-ADIPICACIDURIA; GA II; Glutaric aciduria, type 2; Glutaric acidemia type II; GA 2. Identifiers: Orphanet 26791, MedGen C0268596, MONDO:0009282, OMIM 231680.

Allele frequency attached by ClinVar (database versions not stated): gnomAD exomes 0.00005 and 0.00014; TOPMed 0.00007; 1000 Genomes Project 0.00020; gnomAD 0.00004 and 0.00005; 1000 Genomes Project 30x 0.00016; ExAC 0.00016.
gnomAD v4.1: 79 of 1,614,172 alleles (0.0049%); highest among the groups gnomAD compares: East Asian, 0.076%; no homozygotes.

Submissions (14):

Labcorp Genetics (formerly Invitae), Labcorp
Classification: Pathogenic for Multiple acyl-CoA dehydrogenase deficiency. Last evaluated: 2026-01-18. Review status: criteria provided, single submitter. Criteria: Invitae Variant Classification Sherloc (09022015). Collection method: clinical testing. Allele origin: germline.
Comment: This sequence change replaces alanine, which is neutral and non-polar, with threonine, which is neutral and polar, at codon 84 of the ETFDH protein (p.Ala84Thr). This variant is present in population databases (rs121964954, gnomAD 0.2%). This missense change has been observed in individuals with late-onset, riboflavine-responsive form of MADD (PMID: 19249206, 20370797, 21347544, 22013910, 24357026, 27000805, 27270537). It has also been observed to segregate with disease in related individuals. ClinVar contains an entry for this variant (Variation ID: 12028). Invitae Evidence Modeling of protein sequence and biophysical properties (such as structural, functional, and spatial information, amino acid conservation, physicochemical variation, residue mobility, and thermodynamic stability) indicates that this missense variant is expected to disrupt ETFDH protein function with a positive predictive value of 80%. Experimental studies have shown that this missense change affects ETFDH function (PMID: 27935074). For these reasons, this variant has been classified as Pathogenic.

Natera, Inc.
Classification: Pathogenic for Glutaric acidemia type 2C. Last evaluated: 2025-11-04. Review status: criteria provided, single submitter. Criteria: Natera Variant Classification Schema (03/2026). Collection method: clinical testing. Allele origin: germline.
Comment: The c.250G>A variant in ETFDH is a missense variant predicted to cause substitution of alanine to threonine at amino acid 84. This variant is rare in the general population with a frequency below the threshold expected for the associated phenotype(s). This variant has been observed in one or more individuals affected with the associated recessive disease, as either homozygous or compound heterozygous with a second variant (PMID: 23628458, 20138856, 19265687). Additionally, this variant has been observed to segregate in affected family members (PMID: 20138856). Computational prediction algorithms indicate this variant is likely to affect gene or protein function. Given the available evidence, this variant is classified as Pathogenic.

Fulgent Genetics
Classification: Pathogenic for Multiple acyl-CoA dehydrogenase deficiency. Last evaluated: 2024-05-06. Review status: criteria provided, single submitter. Criteria: ACMG Guidelines, 2015. Collection method: clinical testing. Allele origin: germline.

Baylor Genetics
Classification: Pathogenic for Multiple acyl-CoA dehydrogenase deficiency. Last evaluated: 2024-03-30. Review status: criteria provided, single submitter. Criteria: ACMG Guidelines, 2015. Collection method: clinical testing. Allele origin: unknown.

Women's Health and Genetics/Laboratory Corporation of America, LabCorp
Classification: Pathogenic for Multiple acyl-CoA dehydrogenase deficiency. Last evaluated: 2023-12-13. Review status: criteria provided, single submitter. Criteria: LabCorp Variant Classification Summary - May 2015. Collection method: clinical testing. Allele origin: germline.
Comment: Variant summary: ETFDH c.250G>A (p.Ala84Thr) results in a non-conservative amino acid change in the encoded protein sequence. Five of five in-silico tools predict a damaging effect of the variant on protein function. The variant allele was found at a frequency of 0.00014 in 251434 control chromosomes. This frequency is not significantly higher than estimated for a pathogenic variant in ETFDH causing Glutaric Aciduria, Type 2c (0.00014 vs 0.0011), allowing no conclusion about variant significance. c.250G>A has been reported in the literature in multiple individuals affected with lateonset multiple acylcoenzyme A dehydrogenation deficiency, including as a homozygote or heterozygote phenotype without second variants reported (e.g. Liu_2016). These data indicate that the variant is very likely to be associated with disease. At least one publication reports experimental evidence demonstrating an impact on protein function in Etfdh-(h)A84T knock-in mice, showing reduced protein levels in muscle and liver with vitamin B2 deficiency, and clinical and biochemical profiles similar to human patients affected with riboflavin-responsive multiple acylcoenzyme A dehydrogenation deficiency (e.g. Xu_2018). The following publications have been ascertained in the context of this evaluation (PMID: 27270537, 30232818). Eight submitters have cited clinical-significance assessments for this variant to ClinVar after 2014, classifying the variant as pathogenic (n=7) or likely pathogenic (n=1). Based on the evidence outlined above, the variant was classified as pathogenic.

Blueprint Genetics
Classification: Pathogenic for ETFDH-related disorders. Last evaluated: 2022-11-01. Review status: criteria provided, single submitter. Criteria: ACMG Guidelines, 2015. Collection method: clinical testing. Allele origin: germline. Affected: yes. Observed: 4 variant alleles.

GeneDx
Classification: Pathogenic. Last evaluated: 2022-01-27. Review status: criteria provided, single submitter. Criteria: GeneDx Variant Classification Process June 2021. Collection method: clinical testing. Allele origin: germline. Affected: yes.
Comment: Functional studies in an A84T knock-in mouse model found this variant was associated with lower steady state levels of ETF:QO protein and increased acylcarnitine concentration in muscle that was riboflavin-dependent, consistent with findings in muscle cells from affected individuals (Xu J et al., 2018); In silico analysis supports that this missense variant has a deleterious effect on protein structure/function; This variant is associated with the following publications: (PMID: 27060313, 20370797, 25119904, 24357026, 21347544, 22013910, 19249206, 27000805, 24522293, 19265687, 29961769, 29615056, 28950901, 31058673, 31852447, 32190638, 27935074, 32778825, 33639866, 32005694, 33589341, 29046209, 27270537, 30709034, 30232818)

3billion
Classification: Pathogenic for Multiple acyl-CoA dehydrogenase deficiency. Last evaluated: 2022-01-03. Review status: criteria provided, single submitter. Criteria: ACMG Guidelines, 2015. Collection method: clinical testing. Allele origin: germline. Affected: yes. Observed: 1 heterozygote.
Comment: Same nucleotide change resulting in same amino acid change has been previously reported as pathogenic/likely pathogenic with strong evidence (ClinVar ID: VCV000012028, PMID:19249206, PS1_S). The variant has been reported to be in trans with a pathogenic variant as either compound heterozygous or homozygous in at least one similarly affected unrelated individual (3billion dataset, PM3_M). A different missense change at the same codon has been reported to be associated with ETFDH related disorder (PMID:23628458, PM5_P). In silico tool predictions suggest damaging effect of the variant on gene or gene product (REVEL: 0.886, 3CNET: 0.925, PP3_P). A missense variant is a common mechanism associated with Glutaric acidemia IIC (PP2_P). It is observed at an extremely low frequency in the gnomAD v2.1.1 dataset (total allele frequency: 0.000127, PM2_M). Therefore, this variant is classified as pathogenic according to the recommendation of ACMG/AMP guideline.

Revvity Omics, Revvity
Classification: Pathogenic for Multiple acyl-CoA dehydrogenase deficiency. Last evaluated: 2021-04-27. Review status: criteria provided, single submitter. Criteria: ACMG Guidelines, 2015. Collection method: clinical testing. Allele origin: germline.

Center for Pediatric Genomic Medicine, Children's Mercy Hospital and Clinics
Classification: Pathogenic. Last evaluated: 2015-10-30. Review status: criteria provided, single submitter. Criteria: ACMG Guidelines, 2015. Collection method: clinical testing. Allele origin: germline.

Juno Genomics, Hangzhou Juno Genomics, Inc
Classification: Pathogenic for Multiple acyl-CoA dehydrogenase deficiency. Review status: criteria provided, single submitter. Criteria: ACMG Guidelines, 2015. Collection method: clinical testing. Allele origin: germline.
Comment: For recessive disorders, detected in trans with a pathogenic variant.;Multiple lines of computational evidence support a deleterious effect on the gene or gene product.;Patient's phenotype or family history is highly specific for a disease with a single genetic etiology.;Co-segregation with disease in multiple affected family members.;Novel missense change at an amino acid residue where a different missense change determined to be pathogenic has been seen before.

SingHealth Duke-NUS Institute of Precision Medicine
Classification: Likely pathogenic for Multiple acyl-CoA dehydrogenase deficiency. Last evaluated: 2017-06-07. Review status: no assertion criteria provided. Collection method: curation. Allele origin: germline. Affected: no. Not counted in ClinVar's aggregate classification.

OMIM
Classification: Pathogenic for GLUTARIC ACIDEMIA IIC. Last evaluated: 2010-12-01. Review status: no assertion criteria provided. Collection method: literature only. Allele origin: germline. Not counted in ClinVar's aggregate classification.

Pediatric Department, Xiangya Hospital, Central South University
Classification: Uncertain significance. Review status: flagged submission. Criteria: ACMG Guidelines, 2015. Collection method: clinical testing. Allele origin: inherited. Inheritance: Autosomal recessive inheritance. Affected: yes. Not counted in ClinVar's aggregate classification.
Comment: This variant was observed in compound heterozygosity with variant (c.2T>G)
ClinVar note: Reason: Outlier claim with insufficient supporting evidence

Literature cited by the submitters: PubMed 19249206 (cited by 3 submitters); PubMed 20370797 (cited by Labcorp Genetics (formerly Invitae), Labcorp and OMIM); PubMed 21347544 (cited by Labcorp Genetics (formerly Invitae), Labcorp); PubMed 22013910 (cited by Labcorp Genetics (formerly Invitae), Labcorp); PubMed 24357026 (cited by Labcorp Genetics (formerly Invitae), Labcorp); PubMed 27000805 (cited by Labcorp Genetics (formerly Invitae), Labcorp); PubMed 27270537 (cited by Labcorp Genetics (formerly Invitae), Labcorp and Women's Health and Genetics/Laboratory Corporation of America, LabCorp); PubMed 27935074 (cited by Labcorp Genetics (formerly Invitae), Labcorp); PubMed 23628458 (cited by Natera, Inc. and 3billion); PubMed 20138856 (cited by Natera, Inc.); PubMed 19265687 (cited by Natera, Inc.); PubMed 30232818 (cited by Women's Health and Genetics/Laboratory Corporation of America, LabCorp).